The following is an entry in ClinVar:

NM_001377.3(DYNC2H1):c.2717A>G (p.Asp906Gly)

Gene: DYNC2H1 (dynein cytoplasmic 2 heavy chain 1; plus strand). Cytogenetic location: 11q22.3.
Variant type: single nucleotide variant.
Coding change: c.2717A>G on transcript NM_001377.3 (MANE Select); coding-DNA position 2717, A replaced by G.
Protein change: p.Asp906Gly; replaces aspartic acid 906 with glycine.
Molecular consequence: missense variant.
Genome position (GRCh38, 1-based): chr11:103,147,786, A>G. VCF-style: chr11-103147786-A-G. GRCh37 (hg19) VCF-style: chr11-103018515-A-G.
Other names: c.2717A>G, p.Asp906Gly (NM_001080463.2); short protein forms D906G.
Identifiers: ClinVar variation 1327628 (VCV001327628.3), dbSNP rs949692251, ClinGen allele CA227415733.

ClinVar aggregate classification (germline): Uncertain significance (1 of 4 stars; one submission).

Allele frequency attached by ClinVar (database versions not stated): gnomAD exomes below 0.00001.
gnomAD v4.1: 1 of 1,606,500 alleles (0.000062%); highest among the groups gnomAD compares: Non-Finnish European, 0.000085%; no homozygotes.

Submission:

GeneDx
Classification: Uncertain significance. Last evaluated: 2025-07-06. Review status: criteria provided, single submitter. Criteria: GeneDx Variant Classification Process June 2021. Collection method: clinical testing. Allele origin: germline. Affected: yes.
Comment: Not observed at significant frequency in large population cohorts (gnomAD); In silico analysis supports that this missense variant has a deleterious effect on protein structure/function; Has not been previously published as pathogenic or benign to our knowledge